The following is an entry in ClinVar:

NM_001846.4(COL4A2):c.445C>G (p.Pro149Ala)

Gene: COL4A2 (collagen type IV alpha 2 chain; plus strand). Cytogenetic location: 13q34.
Variant type: single nucleotide variant.
Coding change: c.445C>G on transcript NM_001846.4 (MANE Select); coding-DNA position 445, C replaced by G.
Protein change: p.Pro149Ala; replaces proline 149 with alanine.
Molecular consequence: missense variant.
Genome position (GRCh38, 1-based): chr13:110,428,551, C>G. VCF-style: chr13-110428551-C-G. GRCh37 (hg19) VCF-style: chr13-111080898-C-G.
Other names: c.445C>G (NM_001846.3); short protein forms P149A.
Identifiers: ClinVar variation 1558748 (VCV001558748.9), dbSNP rs548601003, ClinGen allele CA7048895.

ClinVar aggregate classification (germline): Benign. Review status: criteria provided, single submitter (1 of 4 stars). 2 submissions from 2 submitters: Benign (1). 1 of the submissions does not count toward it. Last evaluated 2025-06-25.

Conditions:
COL4A2-related disorder. Also called: COL4A2-related disorders; COL4A2-related condition.

Allele frequency attached by ClinVar (database versions not stated): TOPMed 0.00004; gnomAD 0.00005; gnomAD exomes 0.00010; ExAC 0.00013; 1000 Genomes Project 0.00060.
gnomAD v4.1: 99 of 1,572,342 alleles (0.0063%); highest among the groups gnomAD compares: South Asian, 0.11%; 2 homozygotes.

Submissions (2):

Labcorp Genetics (formerly Invitae), Labcorp
Classification: Benign. Last evaluated: 2025-06-25. Review status: criteria provided, single submitter. Criteria: Invitae Variant Classification Sherloc (09022015). Collection method: clinical testing. Allele origin: germline.

PreventionGenetics, part of Exact Sciences
Classification: Uncertain significance for COL4A2-related condition. Last evaluated: 2024-03-06. Review status: no assertion criteria provided. Collection method: clinical testing. Allele origin: germline. Not counted in ClinVar's aggregate classification.
Comment: The COL4A2 c.445C>G variant is predicted to result in the amino acid substitution p.Pro149Ala. To our knowledge, this variant has not been reported in the literature. This variant is reported in 0.079% of alleles in individuals of South Asian descent in gnomAD. Although we suspect that this variant may be benign, at this time, the clinical significance of this variant is uncertain due to the absence of conclusive functional and genetic evidence.